The following is an entry in ClinVar:

NM_000350.3(ABCA4):c.3344T>C (p.Met1115Thr)

Gene: ABCA4 (ATP binding cassette subfamily A member 4; minus strand). Cytogenetic location: 1p22.1.
Variant type: single nucleotide variant.
Coding change: c.3344T>C on transcript NM_000350.3 (MANE Select); coding-DNA position 3344, T replaced by C.
Protein change: p.Met1115Thr; replaces methionine 1115 with threonine.
Molecular consequence: missense variant.
Genome position (GRCh38, 1-based): chr1:94,041,387, A>G on the plus strand (T>C on the coding strand, the complement: ABCA4 is on the minus strand). VCF-style: chr1-94041387-A-G. GRCh37 (hg19) VCF-style: chr1-94506943-A-G.
Other names: c.3122T>C, p.Met1041Thr (NM_001425324.1); short protein forms M1115T, M1041T.
Identifiers: ClinVar variation 1052465 (VCV001052465.10), dbSNP rs376947008, ClinGen allele CA957958.

ClinVar aggregate classification (germline): Conflicting classifications of pathogenicity. Review status: criteria provided, conflicting classifications (1 of 4 stars). 2 submissions from 2 submitters: Pathogenic (1); Uncertain significance (1). Last evaluated 2024-10-26.

Allele frequency attached by ClinVar (database versions not stated): gnomAD exomes below 0.00001; gnomAD 0.00001; ExAC 0.00002; TOPMed 0.00002; ESP Exome Variant Server 0.00008; 1000 Genomes Project 30x 0.00016; 1000 Genomes Project 0.00020.

Submissions (2):

Labcorp Genetics (formerly Invitae), Labcorp
Classification: Pathogenic. Last evaluated: 2024-10-26. Review status: criteria provided, single submitter. Criteria: Invitae Variant Classification Sherloc (09022015). Collection method: clinical testing. Allele origin: germline.
Comment: This sequence change replaces methionine, which is neutral and non-polar, with threonine, which is neutral and polar, at codon 1115 of the ABCA4 protein (p.Met1115Thr). This variant is present in population databases (rs376947008, gnomAD 0.01%). This missense change has been observed in individual(s) with Stargardt disease (PMID: 31212395; internal data). In at least one individual the data is consistent with being in trans (on the opposite chromosome) from a pathogenic variant. ClinVar contains an entry for this variant (Variation ID: 1052465). Invitae Evidence Modeling of protein sequence and biophysical properties (such as structural, functional, and spatial information, amino acid conservation, physicochemical variation, residue mobility, and thermodynamic stability) indicates that this missense variant is expected to disrupt ABCA4 protein function with a positive predictive value of 95%. For these reasons, this variant has been classified as Pathogenic.

Blueprint Genetics
Classification: Uncertain significance. Last evaluated: 2022-10-03. Review status: criteria provided, single submitter. Criteria: ACMG Guidelines, 2015. Collection method: clinical testing. Allele origin: germline.

Literature cited by the submitters: PubMed 31212395 (cited by Labcorp Genetics (formerly Invitae), Labcorp).